The following is an entry in ClinVar:

NM_020631.6(PLEKHG5):c.1558C>T (p.Arg520Cys)

Gene: PLEKHG5 (pleckstrin homology and RhoGEF domain containing G5; minus strand). Cytogenetic location: 1p36.31.
Variant type: single nucleotide variant.
Coding change: c.1558C>T on transcript NM_020631.6 (MANE Select); coding-DNA position 1558, C replaced by T.
Protein change: p.Arg520Cys; replaces arginine 520 with cysteine.
Molecular consequence: missense variant.
Genome position (GRCh38, 1-based): chr1:6,470,628, G>A on the plus strand (C>T on the coding strand, the complement: PLEKHG5 is on the minus strand). VCF-style: chr1-6470628-G-A. GRCh37 (hg19) VCF-style: chr1-6530688-G-A.
Other names: c.1669C>T, p.Arg557Cys (NM_001042663.3, NM_001265592.2); c.1558C>T, p.Arg520Cys (NM_001042664.2, NM_001042665.2, NM_001265594.3 and 1 more transcripts); c.1765C>T, p.Arg589Cys (NM_001265593.2); short protein forms R557C, R520C, R589C.
Identifiers: ClinVar variation 1491216 (VCV001491216.3), dbSNP rs999436825, ClinGen allele CA17236920.

ClinVar aggregate classification (germline): Uncertain significance (1 of 4 stars; one submission).

Conditions:
Charcot-Marie-Tooth disease recessive intermediate C. Also called: CHARCOT-MARIE-TOOTH NEUROPATHY, RECESSIVE INTERMEDIATE C. Identifiers: Orphanet 369867, MedGen C3809309, MONDO:0014154, OMIM 615376.
Neuronopathy, distal hereditary motor, autosomal recessive 4. Also called: Autosomal recessive lower motor neuron disease with childhood onset; NEUROPATHY, DISTAL HEREDITARY MOTOR, AUTOSOMAL RECESSIVE 4. Identifiers: Orphanet 206580, MedGen C1970211, MONDO:0012608, OMIM 611067.

Allele frequency attached by ClinVar (database versions not stated): gnomAD exomes 0.00001 and 0.00003.

Submission:

Labcorp Genetics (formerly Invitae), Labcorp
Classification: Uncertain significance for Neuronopathy, distal hereditary motor, autosomal recessive 4; Charcot-Marie-Tooth disease recessive intermediate C. Last evaluated: 2021-09-08. Review status: criteria provided, single submitter. Criteria: Invitae Variant Classification Sherloc (09022015). Collection method: clinical testing. Allele origin: germline.
Comment: This sequence change replaces arginine with cysteine at codon 520 of the PLEKHG5 protein (p.Arg520Cys). The arginine residue is moderately conserved and there is a large physicochemical difference between arginine and cysteine. This variant is not present in population databases (ExAC no frequency). This variant has not been reported in the literature in individuals affected with PLEKHG5-related conditions. Algorithms developed to predict the effect of missense changes on protein structure and function output the following: SIFT: "Deleterious"; PolyPhen-2: "Benign"; Align-GVGD: "Class C0". The cysteine amino acid residue is found in multiple mammalian species, which suggests that this missense change does not adversely affect protein function. In summary, the available evidence is currently insufficient to determine the role of this variant in disease. Therefore, it has been classified as a Variant of Uncertain Significance.